The following is an entry in ClinVar:

NM_001371596.2(MFSD8):c.151G>T (p.Val51Leu)

Gene: MFSD8 (major facilitator superfamily domain containing 8; minus strand). Cytogenetic location: 4q28.2.
Variant type: single nucleotide variant.
Coding change: c.151G>T on transcript NM_001371596.2 (MANE Select); coding-DNA position 151, G replaced by T.
Protein change: p.Val51Leu; replaces valine 51 with leucine.
Molecular consequence: missense variant.
Genome position (GRCh38, 1-based): chr4:127,957,504, C>A on the plus strand (G>T on the coding strand, the complement: MFSD8 is on the minus strand). VCF-style: chr4-127957504-C-A. GRCh37 (hg19) VCF-style: chr4-128878659-C-A.
Other names: c.151G>T, p.Val51Leu (NM_001363520.3, NM_001363521.3, NM_001371591.2 and 5 more transcripts); c.16G>T, p.Val6Leu (NM_001371590.2, NM_001371595.1, NM_001410765.1); short protein forms V51L, V6L.
Identifiers: ClinVar variation 533370 (VCV000533370.7), dbSNP rs1408300356, ClinGen allele CA358164957.

ClinVar aggregate classification (germline): Uncertain significance. Review status: criteria provided, single submitter (1 of 4 stars). 2 submissions from 2 submitters: Uncertain significance (1). 1 of the submissions does not count toward it. Last evaluated 2021-09-01.

Conditions:
Neuronal ceroid lipofuscinosis 7 (CLN7). Also called: MFSD8-Related Neuronal Ceroid-Lipofuscinosis. Identifiers: Orphanet 168491, Orphanet 228366, MedGen C1838571, MONDO:0012588, OMIM 610951.
Late-infantile neuronal ceroid lipofuscinosis. Also called: Jansky-Bielschowsky disease. Identifiers: MedGen C0022340, MONDO:0015674.

Allele frequency attached by ClinVar (database versions not stated): TOPMed below 0.00001; gnomAD 0.00001.
gnomAD v4.1: 2 of 1,594,266 alleles (0.00013%); highest among the groups gnomAD compares: Admixed American, 0.0017%; no homozygotes.

Submissions (2):

Labcorp Genetics (formerly Invitae), Labcorp
Classification: Uncertain significance for Neuronal ceroid lipofuscinosis 7. Last evaluated: 2021-09-01. Review status: criteria provided, single submitter. Criteria: Invitae Variant Classification Sherloc (09022015). Collection method: clinical testing. Allele origin: germline.
Comment: This sequence change replaces valine with leucine at codon 51 of the MFSD8 protein (p.Val51Leu). The valine residue is moderately conserved and there is a small physicochemical difference between valine and leucine. This variant is not present in population databases (ExAC no frequency). This variant has not been reported in the literature in individuals affected with MFSD8-related conditions. Algorithms developed to predict the effect of missense changes on protein structure and function (SIFT, PolyPhen-2, Align-GVGD) all suggest that this variant is likely to be tolerated. In summary, the available evidence is currently insufficient to determine the role of this variant in disease. Therefore, it has been classified as a Variant of Uncertain Significance.

Natera, Inc.
Classification: Uncertain significance for Late-infantile neuronal ceroid lipofuscinosis. Last evaluated: 2021-07-09. Review status: no assertion criteria provided. Collection method: clinical testing. Allele origin: germline. Not counted in ClinVar's aggregate classification.